The following is an entry in ClinVar:

ClinVar aggregate classification (germline): Uncertain significance (1 of 4 stars; one submission).

gnomAD v4.1: 2 of 1,613,566 alleles (0.00012%); highest among the groups gnomAD compares: African/African-American, 0.0013%; no homozygotes.

Submission:

Women's Health and Genetics/Laboratory Corporation of America, LabCorp
Classification: Uncertain significance. Last evaluated: 2024-05-17. Review status: criteria provided, single submitter. Criteria: LabCorp Variant Classification Summary - May 2015. Collection method: clinical testing. Allele origin: germline.
Comment: Variant summary: NBEA c.271A>G (p.Ile91Val) results in a conservative amino acid change located in the Neurobeachin, alpha-solenoid region (IPR046852) of the encoded protein sequence. Two of three in-silico tools predict a benign effect of the variant on protein function. The variant was absent in 248814 control chromosomes. The available data on variant occurrences in the general population are insufficient to allow any conclusion about variant significance. To our knowledge, no occurrence of c.271A>G in individuals affected with Neurodevelopmental Disorder With Or Without Early-Onset Generalized Epilepsy and no experimental evidence demonstrating its impact on protein function have been reported. No submitters have cited clinical-significance assessments for this variant to ClinVar. Based on the evidence outlined above, the variant was classified as uncertain significance.

NM_001385012.1(NBEA):c.271A>G (p.Ile91Val)

Gene: NBEA (neurobeachin; plus strand). Cytogenetic location: 13q13.3.
Variant type: single nucleotide variant.
Coding change: c.271A>G on transcript NM_001385012.1 (MANE Select); coding-DNA position 271, A replaced by G.
Protein change: p.Ile91Val; replaces isoleucine 91 with valine.
Molecular consequence: missense variant.
Genome position (GRCh38, 1-based): chr13:34,943,091, A>G. VCF-style: chr13-34943091-A-G. GRCh37 (hg19) VCF-style: chr13-35517228-A-G.
Other names: c.271A>G, p.Ile91Val (NM_001379245.1, NM_015678.5); short protein forms I91V.
Identifiers: ClinVar variation 3336510 (VCV003336510.1).